The following is an entry in ClinVar:

NM_019109.5(ALG1):c.961G>C (p.Gly321Arg)

Gene: ALG1 (ALG1 chitobiosyldiphosphodolichol beta-mannosyltransferase; plus strand). Cytogenetic location: 16p13.3.
Variant type: single nucleotide variant.
Coding change: c.961G>C on transcript NM_019109.5 (MANE Select); coding-DNA position 961, G replaced by C.
Protein change: p.Gly321Arg; replaces glycine 321 with arginine.
Molecular consequence: missense variant.
Genome position (GRCh38, 1-based): chr16:5,079,807, G>C. VCF-style: chr16-5079807-G-C. GRCh37 (hg19) VCF-style: chr16-5129808-G-C.
Other names: c.628G>C, p.Gly210Arg (NM_001330504.2); short protein forms G210R, G321R.
Identifiers: ClinVar variation 1699574 (VCV001699574.2), dbSNP rs1367327454, ClinGen allele CA394672430.

ClinVar aggregate classification (germline): Uncertain significance (1 of 4 stars; one submission).

Allele frequency attached by ClinVar (database versions not stated): gnomAD exomes below 0.00001.
gnomAD v4.1: 1 of 1,611,846 alleles (0.000062%); highest among the groups gnomAD compares: South Asian, 0.0011%; no homozygotes.

Submission:

GeneDx
Classification: Uncertain significance. Last evaluated: 2022-01-31. Review status: criteria provided, single submitter. Criteria: GeneDx Variant Classification Process June 2021. Collection method: clinical testing. Allele origin: germline. Affected: yes.
Comment: Not observed at significant frequency in large population cohorts (gnomAD); In silico analysis supports that this missense variant has a deleterious effect on protein structure/function; Has not been previously published as pathogenic or benign to our knowledge